The following is an entry in ClinVar:

ClinVar aggregate classification (germline): Uncertain significance (1 of 4 stars; one submission).

Conditions:
Cardiovascular phenotype. Identifiers: MedGen CN230736.

gnomAD v4.1: 2 of 1,614,040 alleles (0.00012%); highest among the groups gnomAD compares: South Asian, 0.0022%; no homozygotes.

Submission:

Ambry Genetics
Classification: Uncertain significance for Cardiovascular phenotype. Last evaluated: 2025-06-08. Review status: criteria provided, single submitter. Criteria: Ambry Variant Classification Scheme 2023. Collection method: clinical testing. Allele origin: germline.
Comment: The p.R326G variant (also known as c.976A>G), located in coding exon 7 of the SPRED1 gene, results from an A to G substitution at nucleotide position 976. The arginine at codon 326 is replaced by glycine, an amino acid with dissimilar properties. This amino acid position is conserved. In addition, the in silico prediction for this alteration is inconclusive. Based on the available evidence, the clinical significance of this variant remains unclear.

NM_152594.3(SPRED1):c.976A>G (p.Arg326Gly)

Gene: SPRED1 (sprouty related EVH1 domain containing 1; plus strand). Cytogenetic location: 15q14.
Variant type: single nucleotide variant.
Coding change: c.976A>G on transcript NM_152594.3 (MANE Select); coding-DNA position 976, A replaced by G.
Protein change: p.Arg326Gly; replaces arginine 326 with glycine.
Molecular consequence: missense variant.
Genome position (GRCh38, 1-based): chr15:38,351,305, A>G. VCF-style: chr15-38351305-A-G. GRCh37 (hg19) VCF-style: chr15-38643506-A-G.
Other names: short protein forms R326G.
Identifiers: ClinVar variation 3961412 (VCV003961412.1).